The following is an entry in ClinVar:

NM_000535.7(PMS2):c.1406G>T (p.Arg469Ile)

Gene: PMS2 (PMS1 homolog 2, mismatch repair system component; minus strand). Cytogenetic location: 7p22.1.
Variant type: single nucleotide variant.
Coding change: c.1406G>T on transcript NM_000535.7 (MANE Select); coding-DNA position 1406, G replaced by T.
Protein change: p.Arg469Ile; replaces arginine 469 with isoleucine.
Molecular consequence: missense variant. On other transcripts: non-coding transcript variant (1), intron variant (1).
Genome position (GRCh38, 1-based): chr7:5,987,359, C>A on the plus strand (G>T on the coding strand, the complement: PMS2 is on the minus strand). VCF-style: chr7-5987359-C-A. GRCh37 (hg19) VCF-style: chr7-6026990-C-A.
Other names: c.1088G>T, p.Arg363Ile (NM_001322008.2, NM_001406883.1, NM_001406903.1 and 2 more transcripts); c.1001G>T, p.Arg334Ile (NM_001322009.2, NM_001406887.1, NM_001406897.1 and 16 more transcripts); c.845G>T, p.Arg282Ile (NM_001322010.2, NM_001406906.1, NM_001406907.1); c.473G>T, p.Arg158Ile (NM_001322011.2, NM_001322012.2); c.833G>T, p.Arg278Ile (NM_001322013.2, NM_001406909.1); c.1406G>T, p.Arg469Ile (NM_001322014.2, NM_001406871.1, NM_001406872.1); c.1097G>T, p.Arg366Ile (NM_001322015.2, NM_001406878.1, NM_001406879.1 and 5 more transcripts); c.1592G>T, p.Arg531Ile (NM_001406866.1); and 13 more; short protein forms R212I, R282I, R314I, R334I, R366I, R413I, R347I, R403I.
Identifiers: ClinVar variation 3935138 (VCV003935138.1).
Genomic context (GRCh38, chr7:5,987,359, plus strand): 5'-TCCGCTCTGTCCGTAGGGTCACTGGGTCCGTGACTGGAACTCACTGCCTCTTTCTGAGGT[C>A]TCAGGACGCCTTTGTCAGAGATGGCACCTGAAGTGCTAGAAGACAGCATACCCCTTTTCT-3'
Protein context (NP_000526.2, residues 459-479): SGAISDKGVL[Arg469Ile]PQKEAVSSSH

ClinVar aggregate classification (germline): Uncertain significance (1 of 4 stars; one submission).

Conditions:
Hereditary cancer-predisposing syndrome. Also called: Tumor predisposition; Hereditary neoplastic syndrome; Hereditary Cancer Syndrome; Neoplastic Syndromes, Hereditary. Identifiers: Orphanet 140162, MedGen C0027672, MeSH D009386, MONDO:0015356.

Submission:

Ambry Genetics
Classification: Uncertain significance for Hereditary cancer-predisposing syndrome. Last evaluated: 2025-05-06. Review status: criteria provided, single submitter. Criteria: Ambry Variant Classification Scheme 2023. Collection method: clinical testing. Allele origin: germline.
Comment: The p.R469I variant (also known as c.1406G>T), located in coding exon 11 of the PMS2 gene, results from a G to T substitution at nucleotide position 1406. The arginine at codon 469 is replaced by isoleucine, an amino acid with similar properties. This amino acid position is conserved. In addition, this alteration is predicted to be tolerated by in silico analysis. Based on the available evidence, the clinical significance of this variant remains unclear.